The following is an entry in ClinVar:

ClinVar aggregate classification (germline): Benign (1 of 4 stars; one submission).

Allele frequency attached by ClinVar (database versions not stated): 1000 Genomes Project 30x 0.01124; ExAC 0.01488; 1000 Genomes Project 0.02336; TOPMed 0.02776.
gnomAD v4.1: 13,107 of 416,066 alleles (3.2%); highest among the groups gnomAD compares: Non-Finnish European, 4.6%; 309 homozygotes.

Submission:

GeneDx
Classification: Benign. Last evaluated: 2015-11-03. Review status: criteria provided, single submitter. Criteria: GeneDx Variant Classification (06012015). Collection method: clinical testing. Allele origin: germline. Affected: yes.
Comment: This variant is considered likely benign or benign based on one or more of the following criteria: it is a conservative change, it occurs at a poorly conserved position in the protein, it is predicted to be benign by multiple in silico algorithms, and/or has population frequency not consistent with disease.

NM_001614.5(ACTG1):c.-39C>T

Gene: ACTG1 (actin gamma 1; minus strand). Cytogenetic location: 17q25.3.
Variant type: single nucleotide variant.
Coding change: c.-39C>T on transcript NM_001614.5 (MANE Select); 39 bases upstream of the start codon, C replaced by T.
Molecular consequence: 5 prime UTR variant. On other transcripts: non-coding transcript variant (1).
Genome position (GRCh38, 1-based): chr17:81,512,766, G>A on the plus strand (C>T on the coding strand, the complement: ACTG1 is on the minus strand). VCF-style: chr17-81512766-G-A. GRCh37 (hg19) VCF-style: chr17-79479792-G-A.
Other names: c.-158C>T (NM_001199954.3).
Identifiers: ClinVar variation 379428 (VCV000379428.1), dbSNP rs1139403, ClinGen allele CA8836505.